The following is an entry in ClinVar:

ClinVar aggregate classification (germline): Uncertain significance. Review status: criteria provided, single submitter (1 of 4 stars). 2 submissions from 2 submitters: Uncertain significance (1). 1 of the submissions does not count toward it. Last evaluated 2022-08-22.

Conditions:
Aspartylglucosaminuria (AGU). Also called: AGA DEFICIENCY; Aspartylglucos-aminuria; Aspartylglucos-amidase (AGA) deficiency; GLYCOASPARAGINASE; GLYCOSYLASPARAGINASE DEFICIENCY. Identifiers: Orphanet 93, MedGen C0268225, MONDO:0008830, OMIM 208400, HP:0012068.

Allele frequency attached by ClinVar (database versions not stated): gnomAD exomes 0.00002; TOPMed 0.00002; ExAC 0.00003.

Submissions (2):

Labcorp Genetics (formerly Invitae), Labcorp
Classification: Uncertain significance for Aspartylglucosaminuria. Last evaluated: 2022-08-22. Review status: criteria provided, single submitter. Criteria: Invitae Variant Classification Sherloc (09022015). Collection method: clinical testing. Allele origin: germline.
Comment: This sequence change replaces methionine, which is neutral and non-polar, with isoleucine, which is neutral and non-polar, at codon 329 of the AGA protein (p.Met329Ile). This variant is present in population databases (rs774051527, gnomAD 0.02%). This variant has not been reported in the literature in individuals affected with AGA-related conditions. ClinVar contains an entry for this variant (Variation ID: 1025178). Algorithms developed to predict the effect of missense changes on protein structure and function (SIFT, PolyPhen-2, Align-GVGD) all suggest that this variant is likely to be tolerated. In summary, the available evidence is currently insufficient to determine the role of this variant in disease. Therefore, it has been classified as a Variant of Uncertain Significance.

Natera, Inc.
Classification: Uncertain significance for Aspartylglucosaminuria. Last evaluated: 2020-03-04. Review status: no assertion criteria provided. Collection method: clinical testing. Allele origin: germline. Not counted in ClinVar's aggregate classification.

NM_000027.4(AGA):c.987G>C (p.Met329Ile)

Gene: AGA (aspartylglucosaminidase; minus strand). Cytogenetic location: 4q34.3.
Variant type: single nucleotide variant.
Coding change: c.987G>C on transcript NM_000027.4 (MANE Select); coding-DNA position 987, G replaced by C.
Protein change: p.Met329Ile; replaces methionine 329 with isoleucine.
Molecular consequence: missense variant. On other transcripts: non-coding transcript variant (1).
Genome position (GRCh38, 1-based): chr4:177,431,762, C>G on the plus strand (G>C on the coding strand, the complement: AGA is on the minus strand). VCF-style: chr4-177431762-C-G. GRCh37 (hg19) VCF-style: chr4-178352916-C-G.
Other names: c.957G>C, p.Met319Ile (NM_001171988.2); short protein forms M319I, M329I.
Identifiers: ClinVar variation 1025178 (VCV001025178.8), dbSNP rs774051527, ClinGen allele CA3146724.
Genomic context (GRCh38, chr4:177,431,762, plus strand): 5'-GATGGATTAGATGCAGTCCACTTTTTCCTCAGTTGGCTGATTTTTTTCGGAATTATAAAC[C>G]ATGAAACTAAACTGAGTAAATGTTGAAAGTTTATTGCAAGCAGCACCTGGGGCCAAAAAT-3'
Protein context (NP_000018.2, residues 319-339): KLSTFTQFSF[Met329Ile]VYNSEKNQPT